The following is an entry in ClinVar:

NM_018127.7(ELAC2):c.984-237T>G

Gene: ELAC2 (elaC ribonuclease Z 2; minus strand). Cytogenetic location: 17p12.
Variant type: single nucleotide variant.
Coding change: c.984-237T>G on transcript NM_018127.7 (MANE Select); 237 bases into the intron before coding-DNA position 984, T replaced by G.
Molecular consequence: intron variant.
Genome position (GRCh38, 1-based): chr17:13,003,811, A>C on the plus strand (T>G on the coding strand, the complement: ELAC2 is on the minus strand). VCF-style: chr17-13003811-A-C. GRCh37 (hg19) VCF-style: chr17-12907128-A-C.
Other names: c.864-237T>G (NM_001165962.2); c.984-237T>G (NM_173717.2).
Identifiers: ClinVar variation 678502 (VCV000678502.2), dbSNP rs58700278, ClinGen allele CA14486162.
Genomic context (GRCh38, chr17:13,003,811, plus strand): 5'-GCCATTTCCAATGGACGTGGGATTCCTGTATCTGGCAAGCTCTGCTCTGGGCTTTCCAGT[A>C]GGCCTGGCTGATCCTTTCTCAGCACTGCACTTCCTTCCTACCCTCTCCACTCATACGGGT-3'

ClinVar aggregate classification (germline): Benign. Review status: criteria provided, multiple submitters, no conflicts (2 of 4 stars). 2 submissions from 2 submitters: Benign (2). Last evaluated 2018-06-14.

Allele frequency attached by ClinVar (database versions not stated): 1000 Genomes Project 0.25899; 1000 Genomes Project 30x 0.26312; TOPMed 0.27826.
gnomAD v4.1: 164,349 of 552,308 alleles (30%); highest among the groups gnomAD compares: South Asian, 36%; 25,071 homozygotes.

Submissions (2):

GeneDx
Classification: Benign. Last evaluated: 2018-06-14. Review status: criteria provided, single submitter. Criteria: GeneDx Variant Classification (06012015). Collection method: clinical testing. Allele origin: germline. Affected: yes.
Comment: This variant is considered likely benign or benign based on one or more of the following criteria: it is a conservative change, it occurs at a poorly conserved position in the protein, it is predicted to be benign by multiple in silico algorithms, and/or has population frequency not consistent with disease.

Breakthrough Genomics
Classification: Benign. Review status: criteria provided, single submitter. Criteria: ACMG Guidelines, 2015. Collection method: not provided. Allele origin: germline. Inheritance: Autosomal recessive inheritance. Affected: yes.